The following is an entry in ClinVar:

NM_001267550.2(TTN):c.53770del (p.Val17924fs)

Genes: TTN-AS1 (TTN antisense RNA 1; plus strand), TTN (titin; minus strand). Cytogenetic location: 2q31.2.
Variant type: Deletion.
Coding change: c.53770del on transcript NM_001267550.2 (MANE Select); coding-DNA position 53770, one base deleted (G; older notation c.53770delG).
Protein change: p.Val17924fs; shifts the reading frame from valine 17924.
Molecular consequence: frameshift variant.
Genome position (GRCh38, 1-based): chr2:178,605,525, C deleted on the plus strand (G on the coding strand, the reverse complement: TTN is on the minus strand); the first of 2 consecutive C bases (chr2:178,605,525-178,605,526); deleting either gives the same sequence. VCF-style (leftmost placement, unchanged base first): chr2-178605524-AC-A. GRCh37 (hg19) VCF-style: chr2-179470251-AC-A.
Other names: c.48847del, p.Val16283fs (NM_001256850.1); c.26575del, p.Val8859fs (NM_003319.4); c.46066del, p.Val15356fs (NM_133378.4); c.26950del, p.Val8984fs (NM_133432.3); c.27151del, p.Val9051fs (NM_133437.4); c.53770delG (NM_001267550.2); short protein forms V15356fs, V8984fs, V16283fs, V8859fs, V9051fs, V17924fs.
Identifiers: ClinVar variation 574934 (VCV000574934.9), dbSNP rs1559723763, ClinGen allele CA891843359.
Genomic context (GRCh38, chr2:178,605,524, plus strand): 5'-CCAATTTCATTGACAGCTTTGACACGGAACTCATACATTTGGTGTTCATCAAGATTTTCA[AC>A]CAGAAAAGATGTGGTTGGGCAGAGTCGCTTGTTAACTCTTTCAAAGTCAGGTTTGTCATG-3'

ClinVar aggregate classification (germline): Likely pathogenic (1 of 4 stars; one submission).

Conditions:
Dilated cardiomyopathy 1G (CMD1G). Identifiers: Orphanet 154, MedGen C1858763, MONDO:0011400, OMIM 604145.
Autosomal recessive limb-girdle muscular dystrophy type 2J (LGMDR10). Also called: Limb-girdle muscular dystrophy, type 2J; MUSCULAR DYSTROPHY, LIMB-GIRDLE, AUTOSOMAL RECESSIVE 10. Identifiers: Orphanet 140922, MedGen C1837342, MONDO:0012127, OMIM 608807.

Submission:

Labcorp Genetics (formerly Invitae), Labcorp
Classification: Likely pathogenic for Dilated cardiomyopathy 1G; Autosomal recessive limb-girdle muscular dystrophy type 2J. Last evaluated: 2022-06-04. Review status: criteria provided, single submitter. Criteria: Invitae Variant Classification Sherloc (09022015). Collection method: clinical testing. Allele origin: germline.
Comment: In summary, the currently available evidence indicates that the variant is pathogenic, but additional data are needed to prove that conclusively. Therefore, this variant has been classified as Likely Pathogenic. This variant is located in the A band of TTN (PMID: 25589632). Truncating variants in this region are significantly overrepresented in patients affected with dilated cardiomyopathy (PMID: 25589632). Truncating variants in this region have also been reported in individuals affected with autosomal recessive centronuclear myopathy (PMID: 23975875). ClinVar contains an entry for this variant (Variation ID: 574934). This variant has not been reported in the literature in individuals affected with TTN-related conditions. This variant is not present in population databases (gnomAD no frequency). This sequence change creates a premature translational stop signal (p.Val17924Leufs*31) in the TTN gene. While this is not anticipated to result in nonsense mediated decay, it is expected to create a truncated TTN protein.

Literature cited by the submitters: PubMed 25589632; PubMed 23975875.